The following is an entry in ClinVar:

ClinVar aggregate classification (germline): Pathogenic. Review status: criteria provided, multiple submitters, no conflicts (2 of 4 stars). 3 submissions from 3 submitters: Pathogenic (3). Last evaluated 2025-12-26.

Conditions:
CFTR-related disorder (CFTR-RD). Also called: CFTR-related condition; CFTR-related disorders. Identifiers: MedGen C5924204, MONDO:7770004.
Bronchiectasis with or without elevated sweat chloride 1 (BESC1). Also called: Cystic Fibrosis-Like Syndrome. Identifiers: Orphanet 60033, MedGen C2749757, MONDO:0008887, OMIM 211400.

Submissions (3):

Natera, Inc.
Classification: Pathogenic for CFTR-related disorders. Last evaluated: 2025-12-26. Review status: criteria provided, single submitter. Criteria: Natera Variant Classification Schema (03/2026). Collection method: clinical testing. Allele origin: germline.
Comment: The c.2819_2823delCTCTA variant in CFTR is a frameshift variant predicted to shift the reading frame beginning at codon 940 and leads to a stop codon 33 codons downstream. This variant is expected to result in nonsense mediated decay, truncation, or a dysfunctional protein product. This variant is rare in the general population with a frequency below the threshold expected for the associated phenotype(s). This variant has been observed in one or more individuals affected with the associated recessive disease, as either homozygous or compound heterozygous with a second variant (PMID: 16189704). Given the available evidence, this variant is classified as Pathogenic.

Baylor Genetics
Classification: Pathogenic for Bronchiectasis with or without elevated sweat chloride 1. Last evaluated: 2024-01-08. Review status: criteria provided, single submitter. Criteria: ACMG Guidelines, 2015. Collection method: clinical testing. Allele origin: unknown.

GeneDx
Classification: Pathogenic. Last evaluated: 2023-02-22. Review status: criteria provided, single submitter. Criteria: GeneDx Variant Classification Process June 2021. Collection method: clinical testing. Allele origin: germline. Affected: yes.
Comment: Frameshift variant predicted to result in protein truncation or nonsense mediated decay in a gene for which loss of function is a known mechanism of disease; Not observed at significant frequency in large population cohorts (gnomAD); Also known as c.2949_2853delTACTC; This variant is associated with the following publications: (PMID: 34782259, 16189704)

Literature cited by the submitters: PubMed 16189704 (cited by Natera, Inc.).

NM_000492.4(CFTR):c.2819_2823del (p.Thr940fs)

Gene: CFTR (CF transmembrane conductance regulator; plus strand). Cytogenetic location: 7q31.2.
Variant type: Deletion.
Coding change: c.2819_2823del on transcript NM_000492.4 (MANE Select); coding-DNA positions 2819 to 2823, 5 bases deleted (CTCTA; older notation c.2819_2823delCTCTA).
Protein change: p.Thr940fs; shifts the reading frame from threonine 940.
Molecular consequence: frameshift variant.
Genome position (GRCh38, 1-based): chr7:117,603,693-117,603,697, CTCTA deleted; deleting any 5 consecutive bases within chr7:117,603,691-117,603,697 gives the same sequence; the c. name uses the placement nearest the transcript's 3' end. VCF-style (leftmost placement, unchanged base first): chr7-117603690-ATACTC-A. GRCh37 (hg19) VCF-style: chr7-117243744-ATACTC-A.
Other names: c.2819_2823delCTCTA, p.Thr940Asnfs (NM_000492.3); short protein forms T940fs.
Identifiers: ClinVar variation 2577712 (VCV002577712.3), dbSNP rs2485122171, ClinGen allele CA2580617448.